The following is an entry in ClinVar:

ClinVar aggregate classification (germline): Likely pathogenic. Review status: criteria provided, single submitter (1 of 4 stars). 3 submissions from 3 submitters: Likely pathogenic (1). 2 of the submissions do not count toward it.

Conditions:
Thrombocytopenia. Identifiers: MedGen C0040034, MeSH D013921, MONDO:0002049, HP:0001873.
Thrombocytopenia, X-linked, with or without dyserythropoietic anemia (XLTDA). Identifiers: Orphanet 67044, MedGen C3550789, MONDO:0010308, OMIM 300367.

Submissions (3):

ISTH-SSC Genomics in Thrombosis and Hemostasis, KU Leuven, Center for Molecular and Vascular Biology
Classification: Likely pathogenic for Thrombocytopenia, X-linked, with or without dyserythropoietic anemia. Review status: criteria provided, single submitter. Criteria: ACMG Guidelines, 2015. Collection method: clinical testing. Allele origin: germline. Affected: yes. Observed: 1 hemizygote.
Comment: Submitted to GoldVariant by Jose María Bastida and José Rivera; Grupo Español de Alteraciones Plaquetarias Congénitas (GEAPC)

GeneReviews
No classification provided. Condition: Thrombocytopenia, X-linked, with or without dyserythropoietic anemia. Review status: no classification provided. Collection method: literature only. Allele origin: germline. Not counted in ClinVar's aggregate classification.
Comment: Pathogenic variant in stop codon 414 results in addition of 41 amino acids and use of new stop codon at residue 42

NIHR Bioresource Rare Diseases, University of Cambridge
Classification: Likely pathogenic for Thrombocytopenia. Review status: no assertion criteria provided. Collection method: research. Allele origin: unknown. Affected: yes. Observed: 1 variant allele. Not counted in ClinVar's aggregate classification.

Literature cited by the submitters: PubMed 23278136 (cited by ISTH-SSC Genomics in Thrombosis and Hemostasis, KU Leuven, Center for Molecular and Vascular Biology and GeneReviews); PubMed 32581362 (cited by ISTH-SSC Genomics in Thrombosis and Hemostasis, KU Leuven, Center for Molecular and Vascular Biology and NIHR Bioresource Rare Diseases, University of Cambridge); PubMed 20301538 (cited by GeneReviews).

NM_002049.4(GATA1):c.1240T>C (p.Ter414Arg)

Gene: GATA1 (GATA binding protein 1; plus strand). Cytogenetic location: Xp11.23.
Variant type: single nucleotide variant.
Coding change: c.1240T>C on transcript NM_002049.4 (MANE Select); coding-DNA position 1240, T replaced by C.
Protein change: p.Ter414Arg.
Molecular consequence: stop lost.
Genome position (GRCh38, 1-based): chrX:48,794,162, T>C. VCF-style: chrX-48794162-T-C. GRCh37 (hg19) VCF-style: chrX-48652569-T-C.
Other names: NP_002040.1:p.Ter414ArgextTer42; *414R.
Identifiers: ClinVar variation 156270 (VCV000156270.7), dbSNP rs587776456, ClinGen allele CA345948.
Genomic context (GRCh38, chrX:48,794,162, plus strand): 5'-TTCCCCACAGGCCCCATGCCCCCCACCACCAGCACTACTGTGGTGGCTCCGCTCAGCTCA[T>C]GAGGGCACAGAGCATGGCCTCCAGAGGAGGGGTGGTGTCCTTCTCCTCTTGTAGCCAGAA-3'